The following is an entry in ClinVar:

ClinVar aggregate classification (germline): Uncertain significance. Review status: criteria provided, multiple submitters, no conflicts (2 of 4 stars). 4 submissions from 4 submitters: Uncertain significance (4). Last evaluated 2025-05-05.

Conditions:
Inborn genetic diseases. Identifiers: MedGen C0950123, MeSH D030342.
Sulfite oxidase deficiency due to molybdenum cofactor deficiency type A. Also called: Molybdenum Cofactor Deficiency A; Molybdenum cofactor deficiency, complementation group A. Identifiers: Orphanet 308386, Orphanet 833, MedGen C1854988, MONDO:0009643, OMIM 252150.

Allele frequency attached by ClinVar (database versions not stated): ExAC 0.00003; gnomAD exomes 0.00007; TOPMed 0.00010; gnomAD 0.00011; ESP Exome Variant Server 0.00023.
gnomAD v4.1: 283 of 1,613,818 alleles (0.018%); highest among the groups gnomAD compares: Non-Finnish European, 0.023%; no homozygotes.

Submissions (4):

Ambry Genetics
Classification: Uncertain significance for Inborn genetic diseases. Last evaluated: 2025-05-05. Review status: criteria provided, single submitter. Criteria: Ambry Variant Classification Scheme 2023. Collection method: clinical testing. Allele origin: germline.

Blueprint Genetics
Classification: Uncertain significance. Last evaluated: 2024-08-09. Review status: criteria provided, single submitter. Criteria: ACMG Guidelines, 2015. Collection method: clinical testing. Allele origin: germline.

Fulgent Genetics
Classification: Uncertain significance for Sulfite oxidase deficiency due to molybdenum cofactor deficiency type A. Last evaluated: 2024-03-18. Review status: criteria provided, single submitter. Criteria: ACMG Guidelines, 2015. Collection method: clinical testing. Allele origin: germline.

Labcorp Genetics (formerly Invitae), Labcorp
Classification: Uncertain significance for Sulfite oxidase deficiency due to molybdenum cofactor deficiency type A. Last evaluated: 2022-08-22. Review status: criteria provided, single submitter. Criteria: Invitae Variant Classification Sherloc (09022015). Collection method: clinical testing. Allele origin: germline.
Comment: This sequence change replaces valine, which is neutral and non-polar, with methionine, which is neutral and non-polar, at codon 216 of the MOCS1 protein (p.Val216Met). This variant is present in population databases (rs201334190, gnomAD 0.02%). This variant has not been reported in the literature in individuals affected with MOCS1-related conditions. ClinVar contains an entry for this variant (Variation ID: 1023181). Algorithms developed to predict the effect of missense changes on protein structure and function are either unavailable or do not agree on the potential impact of this missense change (SIFT: "Not Available"; PolyPhen-2: "Probably Damaging"; Align-GVGD: "Not Available"). In summary, the available evidence is currently insufficient to determine the role of this variant in disease. Therefore, it has been classified as a Variant of Uncertain Significance.

NM_001358530.2(MOCS1):c.646G>A (p.Val216Met)

Gene: MOCS1 (molybdenum cofactor synthesis 1; minus strand). Cytogenetic location: 6p21.2.
Variant type: single nucleotide variant.
Coding change: c.646G>A on transcript NM_001358530.2 (MANE Select); coding-DNA position 646, G replaced by A.
Protein change: p.Val216Met; replaces valine 216 with methionine.
Molecular consequence: missense variant. On other transcripts: non-coding transcript variant (1).
Genome position (GRCh38, 1-based): chr6:39,913,428, C>T on the plus strand (G>A on the coding strand, the complement: MOCS1 is on the minus strand). VCF-style: chr6-39913428-C-T. GRCh37 (hg19) VCF-style: chr6-39881172-C-T.
Other names: c.646G>A, p.Val216Met (NM_001075098.4, NM_001358529.2, NM_005943.6); c.385G>A, p.Val129Met (NM_001358531.2, NM_001358533.2, NM_001358534.2); c.646G>A (NM_005943.5); short protein forms V129M, V216M.
Identifiers: ClinVar variation 1023181 (VCV001023181.7), dbSNP rs201334190, ClinGen allele CA3796191.
Genomic context (GRCh38, chr6:39,913,428, plus strand): 5'-TCAAGGCCGCAAAGTCCAGGAGTTCATCCTCGTTAAGGCCTCGCATCACCACACAGTTCA[C>T]CTGGCCGGGGAACAATGGGACCATGAGGGCTGTGCCCCCTGCATTCTTTTGTGGAGATGA-3'
Protein context (NP_001345459.1, residues 206-226): AIELGYNPVK[Val216Met]NCVVMRGLNE